The following is an entry in ClinVar:

ClinVar aggregate classification (germline): Uncertain significance. Review status: criteria provided, multiple submitters, no conflicts (2 of 4 stars). 3 submissions from 3 submitters: Uncertain significance (2). 1 of the submissions does not count toward it. Last evaluated 2024-12-20.

Conditions:
Inborn genetic diseases. Identifiers: MedGen C0950123, MeSH D030342.
SAMD9-related disorder. Also called: SAMD9-related condition.

Allele frequency attached by ClinVar (database versions not stated): ExAC 0.00001; gnomAD 0.00001; gnomAD exomes 0.00001; TOPMed 0.00001.
gnomAD v4.1: 8 of 1,613,086 alleles (0.0005%); highest among the groups gnomAD compares: Middle Eastern, 0.016%; no homozygotes.

Submissions (3):

Ambry Genetics
Classification: Uncertain significance for Inborn genetic diseases. Last evaluated: 2024-12-20. Review status: criteria provided, single submitter. Criteria: Ambry Variant Classification Scheme 2023. Collection method: clinical testing. Allele origin: germline.
Comment: The p.G1580S variant (also known as c.4738G>A), located in coding exon 1 of the SAMD9 gene, results from a G to A substitution at nucleotide position 4738. The glycine at codon 1580 is replaced by serine, an amino acid with similar properties. This amino acid position is conserved. In addition, the in silico prediction for this alteration is inconclusive. Based on the available evidence, the clinical significance of this variant remains unclear.

Labcorp Genetics (formerly Invitae), Labcorp
Classification: Uncertain significance. Last evaluated: 2023-10-29. Review status: criteria provided, single submitter. Criteria: Invitae Variant Classification Sherloc (09022015). Collection method: clinical testing. Allele origin: germline.
Comment: This sequence change replaces glycine, which is neutral and non-polar, with serine, which is neutral and polar, at codon 1580 of the SAMD9 protein (p.Gly1580Ser). This variant is present in population databases (rs776490364, gnomAD 0.005%). This variant has not been reported in the literature in individuals affected with SAMD9-related conditions. ClinVar contains an entry for this variant (Variation ID: 1987222). Advanced modeling of protein sequence and biophysical properties (such as structural, functional, and spatial information, amino acid conservation, physicochemical variation, residue mobility, and thermodynamic stability) has been performed at Invitae for this missense variant, however the output from this modeling did not meet the statistical confidence thresholds required to predict the impact of this variant on SAMD9 protein function. In summary, the available evidence is currently insufficient to determine the role of this variant in disease. Therefore, it has been classified as a Variant of Uncertain Significance.

PreventionGenetics, part of Exact Sciences
Classification: Uncertain significance for SAMD9-related condition. Last evaluated: 2024-01-17. Review status: no assertion criteria provided. Collection method: clinical testing. Allele origin: germline. Not counted in ClinVar's aggregate classification.
Comment: The SAMD9 c.4738G>A variant is predicted to result in the amino acid substitution p.Gly1580Ser. To our knowledge, this variant has not been reported in the literature. This variant is reported in 0.0047% of alleles in individuals of European (Finnish) descent in gnomAD. At this time, the clinical significance of this variant is uncertain due to the absence of conclusive functional and genetic evidence.

NM_017654.4(SAMD9):c.4738G>A (p.Gly1580Ser)

Gene: SAMD9 (sterile alpha motif domain containing 9; minus strand). Cytogenetic location: 7q21.2.
Variant type: single nucleotide variant.
Coding change: c.4738G>A on transcript NM_017654.4 (MANE Select); coding-DNA position 4738, G replaced by A.
Protein change: p.Gly1580Ser; replaces glycine 1580 with serine.
Molecular consequence: missense variant.
Genome position (GRCh38, 1-based): chr7:93,101,360, C>T on the plus strand (G>A on the coding strand, the complement: SAMD9 is on the minus strand). VCF-style: chr7-93101360-C-T. GRCh37 (hg19) VCF-style: chr7-92730673-C-T.
Other names: c.4738G>A, p.Gly1580Ser (NM_001193307.2); c.4738G>A (NM_017654.3); short protein forms G1580S.
Identifiers: ClinVar variation 1987222 (VCV001987222.5), dbSNP rs776490364, ClinGen allele CA4342501.